The following is an entry in ClinVar:

NM_001009944.3(PKD1):c.11509C>T (p.Leu3837=)

Genes: PKD1 (polycystin 1, transient receptor potential channel interacting; minus strand), PKD1-AS1 (PKD1 antisense RNA 1; plus strand). Cytogenetic location: 16p13.3.
Variant type: single nucleotide variant.
Coding change: c.11509C>T on transcript NM_001009944.3 (MANE Select); coding-DNA position 11509, C replaced by T.
Protein change: p.Leu3837=; no amino-acid change (leucine 3837 retained).
Molecular consequence: synonymous variant.
Genome position (GRCh38, 1-based): chr16:2,091,809, G>A on the plus strand (C>T on the coding strand, the complement: PKD1 is on the minus strand). VCF-style: chr16-2091809-G-A. GRCh37 (hg19) VCF-style: chr16-2141810-G-A.
Other names: c.11506C>T, p.Leu3836= (NM_000296.4).
Identifiers: ClinVar variation 4927554 (VCV004927554.2).

ClinVar aggregate classification (germline): Likely benign. Review status: criteria provided, multiple submitters, no conflicts (2 of 4 stars). 2 submissions from 2 submitters: Likely benign (2). Last evaluated 2025-09-25.

Conditions:
PKD1-related disorder. Also called: PKD1-related condition.

gnomAD v4.1: 4 of 1,610,930 alleles (0.00025%); highest among the groups gnomAD compares: Middle Eastern, 0.017%; no homozygotes.

Submissions (2):

PreventionGenetics, part of Exact Sciences
Classification: Likely benign for PKD1-related condition. Last evaluated: 2025-09-25. Review status: criteria provided, single submitter. Criteria: ACMG Guidelines, 2015. Collection method: clinical testing. Allele origin: germline.
Comment: This variant is classified as likely benign based on ACMG/AMP sequence variant interpretation guidelines (Richards et al. 2015 PMID: 25741868, with internal and published modifications).

Blueprint Genetics
Classification: Likely benign. Last evaluated: 2022-08-31. Review status: criteria provided, single submitter. Criteria: ACMG Guidelines, 2015. Collection method: clinical testing. Allele origin: germline.